The following is an entry in ClinVar:

ClinVar aggregate classification (germline): Uncertain significance (1 of 4 stars; one submission).

Conditions:
Acromesomelic dysplasia 1, Maroteaux type (AMD1). Also called: ACROMESOMELIC DYSPLASIA 1; ST. HELENA DYSPLASIA. Identifiers: Orphanet 40, MedGen C1864356, MONDO:0011275, OMIM 602875.
Tall stature-scoliosis-macrodactyly of the great toes syndrome. Also called: Epiphyseal chondrodysplasia, miura type. Identifiers: Orphanet 329191, MedGen C4014690, MONDO:0014401, OMIM 615923.

Allele frequency attached by ClinVar (database versions not stated): TOPMed 0.00001.
gnomAD v4.1: 8 of 1,614,192 alleles (0.0005%); highest among the groups gnomAD compares: East Asian, 0.0022%; no homozygotes.

Submission:

Labcorp Genetics (formerly Invitae), Labcorp
Classification: Uncertain significance for Tall stature-scoliosis-macrodactyly of the great toes syndrome; Acromesomelic dysplasia 1, Maroteaux type. Last evaluated: 2025-11-10. Review status: criteria provided, single submitter. Criteria: Invitae Variant Classification Sherloc (09022015). Collection method: clinical testing. Allele origin: germline.
Comment: This sequence change replaces arginine, which is basic and polar, with cysteine, which is neutral and slightly polar, at codon 514 of the NPR2 protein (p.Arg514Cys). This variant is present in population databases (rs565266558, gnomAD 0.002%). This variant has not been reported in the literature in individuals affected with NPR2-related conditions. ClinVar contains an entry for this variant (Variation ID: 2137544). Invitae Evidence Modeling of protein sequence and biophysical properties (such as structural, functional, and spatial information, amino acid conservation, physicochemical variation, residue mobility, and thermodynamic stability) indicates that this missense variant is not expected to disrupt NPR2 protein function with a negative predictive value of 80%. Algorithms developed to predict the effect of sequence changes on RNA splicing suggest that this variant may disrupt the consensus splice site. In summary, the available evidence is currently insufficient to determine the role of this variant in disease. Therefore, it has been classified as a Variant of Uncertain Significance.

NM_003995.4(NPR2):c.1540C>T (p.Arg514Cys)

Gene: NPR2 (natriuretic peptide receptor 2; plus strand). Cytogenetic location: 9p13.3.
Variant type: single nucleotide variant.
Coding change: c.1540C>T on transcript NM_003995.4 (MANE Select); coding-DNA position 1540, C replaced by T.
Protein change: p.Arg514Cys; replaces arginine 514 with cysteine.
Molecular consequence: missense variant.
Genome position (GRCh38, 1-based): chr9:35,801,746, C>T. VCF-style: chr9-35801746-C-T. GRCh37 (hg19) VCF-style: chr9-35801743-C-T.
Other names: c.1549C>T, p.Arg517Cys (NM_001378923.1); short protein forms R517C, R514C.
Identifiers: ClinVar variation 2137544 (VCV002137544.4), dbSNP rs565266558, ClinGen allele CA192768042.
Genomic context (GRCh38, chr9:35,801,746, plus strand): 5'-ATTCGCTGGGAAGAACTGCAGTTTGGCAACTCAGAGCGTTATCACAAAGGTGCAGGCAGT[C>T]GCCTCACACTGTCGCTGGTGAGCCCTTGTCTCAGCTGTTCCTCTGCCTCCCTCTGAGTTC-3'
Protein context (NP_003986.2, residues 504-524): SERYHKGAGS[Arg514Cys]LTLSLRGSSY